The following is an entry in ClinVar:

NM_001042492.3(NF1):c.2103A>T (p.Glu701Asp)

Gene: NF1 (neurofibromin 1; plus strand). Cytogenetic location: 17q11.2.
Variant type: single nucleotide variant.
Coding change: c.2103A>T on transcript NM_001042492.3 (MANE Select); coding-DNA position 2103, A replaced by T.
Protein change: p.Glu701Asp; replaces glutamic acid 701 with aspartic acid.
Molecular consequence: missense variant.
Genome position (GRCh38, 1-based): chr17:31,226,536, A>T. VCF-style: chr17-31226536-A-T. GRCh37 (hg19) VCF-style: chr17-29553554-A-T.
Other names: c.2103A>T, p.Glu701Asp (NM_000267.4); short protein forms E701D.
Identifiers: ClinVar variation 3634508 (VCV003634508.2).
Genomic context (GRCh38, chr17:31,226,536, plus strand): 5'-ACAAGCCCAGACCAAACTAGAAGTGGCCCTGTACATGTTTCTGTGGAACCCTGACACTGA[A>T]GCTGTTCTGGTTGCCATGTCCTGTTTCCGCCACCTCTGTGAGGAAGCAGATATCCGGTGT-3'
Protein context (NP_001035957.1, residues 691-711): LYMFLWNPDT[Glu701Asp]AVLVAMSCFR

ClinVar aggregate classification (germline): Uncertain significance (1 of 4 stars; one submission).

Conditions:
Neurofibromatosis, type 1 (NF1). Also called: VON RECKLINGHAUSEN DISEASE; Peripheral type neurofibromatosis; NEUROFIBROMATOSIS, TYPE I, SOMATIC; Neurofibromatosis, type I. Identifiers: Orphanet 636, MedGen C0027831, MONDO:0018975, OMIM 162200. Disease mechanism: loss of function.

Submission:

Labcorp Genetics (formerly Invitae), Labcorp
Classification: Uncertain significance for Neurofibromatosis, type 1. Last evaluated: 2025-01-02. Review status: criteria provided, single submitter. Criteria: Invitae Variant Classification Sherloc (09022015). Collection method: clinical testing. Allele origin: germline.
Comment: This sequence change replaces glutamic acid, which is acidic and polar, with aspartic acid, which is acidic and polar, at codon 701 of the NF1 protein (p.Glu701Asp). This variant is not present in population databases (gnomAD no frequency). This variant has not been reported in the literature in individuals affected with NF1-related conditions. Invitae Evidence Modeling of protein sequence and biophysical properties (such as structural, functional, and spatial information, amino acid conservation, physicochemical variation, residue mobility, and thermodynamic stability) indicates that this missense variant is not expected to disrupt NF1 protein function with a negative predictive value of 95%. In summary, the available evidence is currently insufficient to determine the role of this variant in disease. Therefore, it has been classified as a Variant of Uncertain Significance.